The following is an entry in ClinVar:

ClinVar aggregate classification (germline): Benign/Likely benign. Review status: criteria provided, multiple submitters, no conflicts (2 of 4 stars). 10 submissions from 10 submitters: Benign (5); Likely benign (2). 3 of the submissions do not count toward it. Last evaluated 2026-01-31.

Conditions:
Xeroderma pigmentosum, group G (XPG). Also called: XERODERMA PIGMENTOSUM VII; XP, GROUP G; Xeroderma pigmentosum type 7; ERCC5-Related Xeroderma Pigmentosum. Identifiers: MedGen C0268141, MONDO:0010216, OMIM 278780.
ERCC5-related disorder. Also called: ERCC5-related condition.

Allele frequency attached by ClinVar (database versions not stated): gnomAD exomes 0.00417 and 0.00998; ExAC 0.01178; gnomAD 0.02439 and 0.02531; ESP Exome Variant Server 0.02599; TOPMed 0.02711; 1000 Genomes Project 0.03734; 1000 Genomes Project 30x 0.03919.
gnomAD v4.1: 10,001 of 1,614,178 alleles (0.62%); highest among the groups gnomAD compares: African/African-American, 7.9%; 277 homozygotes.

Submissions (10):

Labcorp Genetics (formerly Invitae), Labcorp
Classification: Benign. Last evaluated: 2026-01-31. Review status: criteria provided, single submitter. Criteria: Invitae Variant Classification Sherloc (09022015). Collection method: clinical testing. Allele origin: germline.

Dasa
Classification: Benign. Last evaluated: 2025-12-04. Review status: criteria provided, single submitter. Criteria: DASA Assertion Criteria. Collection method: clinical testing. Allele origin: germline.
Comment: NM_000123.4(ERCC5):c.767A>G (p.Gln256Arg) is interpreted as benign based on a combination of available evidence, which may include population frequency, observations in unaffected individuals, intact protein function, lack of segregation with disease, in silico models, amino acid conservation, lack of disease association in case-control studies, and/or inconsistency with the known disease mechanism or impacted region. Based on the available data, this variant is classified as benign.

KCCC/NGS Laboratory, Kuwait Cancer Control Center
Classification: Benign for Xeroderma pigmentosum, group G. Last evaluated: 2025-02-01. Review status: criteria provided, single submitter. Criteria: ACMG Guidelines, 2015. Collection method: clinical testing. Allele origin: germline. Affected: no.

GeneDx
Classification: Benign. Last evaluated: 2019-04-03. Review status: criteria provided, single submitter. Criteria: GeneDx Variant Classification Process June 2021. Collection method: clinical testing. Allele origin: germline. Affected: yes.

Illumina Laboratory Services, Illumina
Classification: Benign for Xeroderma pigmentosum, group G. Last evaluated: 2018-01-12. Review status: criteria provided, single submitter. Criteria: ICSL Variant Classification Criteria 13 December 2019. Collection method: clinical testing. Allele origin: germline.
Comment: This variant was observed in the ICSL laboratory as part of a predisposition screen in an ostensibly healthy population. It had not been previously curated by ICSL or reported in the Human Gene Mutation Database (HGMD: prior to June 1st, 2018), and was therefore a candidate for classification through an automated scoring system. Utilizing variant allele frequency, disease prevalence and penetrance estimates, and inheritance mode, an automated score was calculated to assess if this variant is too frequent to cause the disease. Based on the score and internal cut-off values, a variant classified as benign is not then subjected to further curation. The score for this variant resulted in a classification of benign for this disease.

Clinical Genetics DNA and cytogenetics Diagnostics Lab, Erasmus MC, Erasmus Medical Center
Classification: Likely benign for Xeroderma pigmentosum, group G. Last evaluated: 2015-09-21. Review status: criteria provided, single submitter. Criteria: ACGS Guidelines, 2013. Collection method: clinical testing. Allele origin: germline. Affected: yes. Study: VKGL Data-share Consensus.

Breakthrough Genomics
Classification: Likely benign. Review status: criteria provided, single submitter. Criteria: ACMG Guidelines, 2015. Collection method: not provided. Allele origin: germline. Inheritance: Autosomal recessive inheritance. Affected: yes.

PreventionGenetics, part of Exact Sciences
Classification: Benign for ERCC5-related condition. Last evaluated: 2019-09-25. Review status: no assertion criteria provided. Collection method: clinical testing. Allele origin: germline. Not counted in ClinVar's aggregate classification.
Comment: This variant is classified as benign based on ACMG/AMP sequence variant interpretation guidelines (Richards et al. 2015 PMID: 25741868, with internal and published modifications).

Genome Diagnostics Laboratory, Amsterdam University Medical Center
Classification: Benign for Xeroderma pigmentosum, group G. Last evaluated: 2015-07-08. Review status: no assertion criteria provided. Criteria: ACGS Guidelines, 2013. Collection method: clinical testing. Allele origin: germline. Affected: yes. Study: VKGL Data-share Consensus. Not counted in ClinVar's aggregate classification.

ITMI
No classification provided. Condition: AllHighlyPenetrant. Last evaluated: 2013-09-19. Review status: no classification provided. Collection method: reference population. Allele origin: germline. Not counted in ClinVar's aggregate classification.
Comment: Please see associated publication for description of ethnicities

Literature cited by the submitters: PubMed 24728327 (cited by ITMI).

NM_000123.4(ERCC5):c.767A>G (p.Gln256Arg)

Genes: BIVM-ERCC5 (BIVM-ERCC5 readthrough; plus strand), ERCC5 (ERCC excision repair 5, endonuclease; plus strand). Cytogenetic location: 13q33.1.
Variant type: single nucleotide variant.
Coding change: c.767A>G on transcript NM_000123.4 (MANE Select); coding-DNA position 767, A replaced by G.
Protein change: p.Gln256Arg; replaces glutamine 256 with arginine.
Molecular consequence: missense variant.
Genome position (GRCh38, 1-based): chr13:102,861,601, A>G. VCF-style: chr13-102861601-A-G. GRCh37 (hg19) VCF-style: chr13-103513951-A-G.
Other names: c.2129A>G, p.Gln710Arg (NM_001204425.2); c.2129A>G (NM_001204425.1); short protein forms Q256R, Q710R.
Identifiers: ClinVar variation 134182 (VCV000134182.20), dbSNP rs4150313, ClinGen allele CA159030.